The following is an entry in ClinVar:

ClinVar aggregate classification (germline): Uncertain significance. Review status: criteria provided, multiple submitters, no conflicts (2 of 4 stars). 2 submissions from 2 submitters: Uncertain significance (2). Last evaluated 2023-10-03.

Allele frequency attached by ClinVar (database versions not stated): gnomAD exomes below 0.00001 and 0.00001; ExAC 0.00002.
gnomAD v4.1: 2 of 1,614,176 alleles (0.00012%); highest among the groups gnomAD compares: Non-Finnish European, 0.00017%; no homozygotes.

Submissions (2):

Labcorp Genetics (formerly Invitae), Labcorp
Classification: Uncertain significance. Last evaluated: 2023-10-03. Review status: criteria provided, single submitter. Criteria: Invitae Variant Classification Sherloc (09022015). Collection method: clinical testing. Allele origin: germline.
Comment: This sequence change replaces lysine, which is basic and polar, with glutamic acid, which is acidic and polar, at codon 638 of the LRP5 protein (p.Lys638Glu). This variant is present in population databases (rs758976409, gnomAD 0.002%). This variant has not been reported in the literature in individuals affected with LRP5-related conditions. ClinVar contains an entry for this variant (Variation ID: 1003291). Advanced modeling of protein sequence and biophysical properties (such as structural, functional, and spatial information, amino acid conservation, physicochemical variation, residue mobility, and thermodynamic stability) has been performed at Invitae for this missense variant, however the output from this modeling did not meet the statistical confidence thresholds required to predict the impact of this variant on LRP5 protein function. In summary, the available evidence is currently insufficient to determine the role of this variant in disease. Therefore, it has been classified as a Variant of Uncertain Significance.

GeneDx
Classification: Uncertain significance. Last evaluated: 2022-06-22. Review status: criteria provided, single submitter. Criteria: GeneDx Variant Classification Process June 2021. Collection method: clinical testing. Allele origin: germline. Affected: yes.
Comment: Not observed at significant frequency in large population cohorts (gnomAD); In silico analysis supports that this missense variant does not alter protein structure/function; Has not been previously published as pathogenic or benign to our knowledge

NM_002335.4(LRP5):c.1912A>G (p.Lys638Glu)

Gene: LRP5 (LDL receptor related protein 5; plus strand). Cytogenetic location: 11q13.2.
Variant type: single nucleotide variant.
Coding change: c.1912A>G on transcript NM_002335.4 (MANE Select); coding-DNA position 1912, A replaced by G.
Protein change: p.Lys638Glu; replaces lysine 638 with glutamic acid.
Molecular consequence: missense variant.
Genome position (GRCh38, 1-based): chr11:68,406,634, A>G. VCF-style: chr11-68406634-A-G. GRCh37 (hg19) VCF-style: chr11-68174102-A-G.
Other names: c.169A>G, p.Lys57Glu (NM_001291902.2); short protein forms K57E, K638E.
Identifiers: ClinVar variation 1003291 (VCV001003291.9), dbSNP rs758976409, ClinGen allele CA6149484.